The following is an entry in ClinVar:

ClinVar aggregate classification (germline): Benign. Review status: criteria provided, multiple submitters, no conflicts (2 of 4 stars). 3 submissions from 3 submitters: Benign (2). 1 of the submissions does not count toward it. Last evaluated 2026-01-27.

Conditions:
ANK3-related disorder. Also called: ANK3-related condition.

Allele frequency attached by ClinVar (database versions not stated): gnomAD exomes 0.00285 and 0.00777; ExAC 0.00951; gnomAD 0.02947 and 0.03164; 1000 Genomes Project 0.03175; TOPMed 0.03354; 1000 Genomes Project 30x 0.03389; ESP Exome Variant Server 0.03498.
gnomAD v4.1: 8,802 of 1,614,122 alleles (0.55%); highest among the groups gnomAD compares: African/African-American, 10%; 443 homozygotes.

Submissions (3):

Labcorp Genetics (formerly Invitae), Labcorp
Classification: Benign. Last evaluated: 2026-01-27. Review status: criteria provided, single submitter. Criteria: Invitae Variant Classification Sherloc (09022015). Collection method: clinical testing. Allele origin: germline.

Breakthrough Genomics
Classification: Benign. Review status: criteria provided, single submitter. Criteria: ACMG Guidelines, 2015. Collection method: not provided. Allele origin: germline. Inheritance: Autosomal recessive inheritance. Affected: yes.

PreventionGenetics, part of Exact Sciences
Classification: Benign for ANK3-related condition. Last evaluated: 2019-09-24. Review status: no assertion criteria provided. Collection method: clinical testing. Allele origin: germline. Not counted in ClinVar's aggregate classification.
Comment: This variant is classified as benign based on ACMG/AMP sequence variant interpretation guidelines (Richards et al. 2015 PMID: 25741868, with internal and published modifications).

NM_020987.5(ANK3):c.10383A>G (p.Gln3461=)

Gene: ANK3 (ankyrin 3; minus strand). Cytogenetic location: 10q21.2.
Variant type: single nucleotide variant.
Coding change: c.10383A>G on transcript NM_020987.5 (MANE Select); coding-DNA position 10383, A replaced by G.
Protein change: p.Gln3461=; no amino-acid change (glutamine 3461 retained).
Molecular consequence: synonymous variant. On other transcripts: intron variant (4).
Genome position (GRCh38, 1-based): chr10:60,070,498, T>C on the plus strand (A>G on the coding strand, the complement: ANK3 is on the minus strand). VCF-style: chr10-60070498-T-C. GRCh37 (hg19) VCF-style: chr10-61830256-T-C.
Other names: c.4388-2489A>G (NM_001204403.2); c.4409-2489A>G (NM_001204404.2); c.4406-2489A>G (NM_001320874.2); c.1808-2489A>G (NM_001149.4).
Identifiers: ClinVar variation 781198 (VCV000781198.14), dbSNP rs61732400, ClinGen allele CA5511254.